The following is an entry in ClinVar:

ClinVar aggregate classification (germline): Uncertain significance (1 of 4 stars; one submission).

Conditions:
Landau-Kleffner syndrome (FESD). Also called: EPILEPSY, FOCAL, WITH SPEECH DISORDER AND WITH OR WITHOUT MENTAL RETARDATION; APHASIA, ACQUIRED, WITH EPILEPSY. Identifiers: Orphanet 1945, Orphanet 725, Orphanet 98818, MedGen C0282512, MONDO:0009509, OMIM 245570.

Submission:

Labcorp Genetics (formerly Invitae), Labcorp
Classification: Uncertain significance for Landau-Kleffner syndrome. Last evaluated: 2018-11-21. Review status: criteria provided, single submitter. Criteria: Invitae Variant Classification Sherloc (09022015). Collection method: clinical testing. Allele origin: germline.
Comment: In summary, the available evidence is currently insufficient to determine the role of this variant in disease. Therefore, it has been classified as a Variant of Uncertain Significance. Algorithms developed to predict the effect of sequence changes on RNA splicing suggest that this variant may create or strengthen a splice site, but this prediction has not been confirmed by published transcriptional studies. Algorithms developed to predict the effect of missense changes on protein structure and function are either unavailable or do not agree on the potential impact of this missense change (SIFT: "Deleterious"; PolyPhen-2: "Probably Damaging"; Align-GVGD: "Class C0"). This variant has not been reported in the literature in individuals with GRIN2A-related disease. This variant is not present in population databases (ExAC no frequency). This sequence change replaces threonine with arginine at codon 104 of the GRIN2A protein (p.Thr104Arg). The threonine residue is moderately conserved and there is a moderate physicochemical difference between threonine and arginine.

NM_001134407.3(GRIN2A):c.311C>G (p.Thr104Arg)

Gene: GRIN2A (glutamate ionotropic receptor NMDA type subunit 2A; minus strand). Cytogenetic location: 16p13.2.
Variant type: single nucleotide variant.
Coding change: c.311C>G on transcript NM_001134407.3 (MANE Select); coding-DNA position 311, C replaced by G.
Protein change: p.Thr104Arg; replaces threonine 104 with arginine.
Molecular consequence: missense variant.
Genome position (GRCh38, 1-based): chr16:10,180,101, G>C on the plus strand (C>G on the coding strand, the complement: GRIN2A is on the minus strand). VCF-style: chr16-10180101-G-C. GRCh37 (hg19) VCF-style: chr16-10273958-G-C.
Other names: c.311C>G, p.Thr104Arg (NM_000833.5, NM_001134408.2); short protein forms T104R.
Identifiers: ClinVar variation 649432 (VCV000649432.9), dbSNP rs1596586938, ClinGen allele CA394715292.